The following is an entry in ClinVar:

ClinVar aggregate classification (germline): Uncertain significance. Review status: criteria provided, multiple submitters, no conflicts (2 of 4 stars). 2 submissions from 2 submitters: Uncertain significance (2). Last evaluated 2026-04-01.

Conditions:
Intellectual developmental disorder, autosomal dominant 1. Also called: MBD5 Haploinsufficiency; Intellectual disability, autosomal dominant 1. Identifiers: Orphanet 228402, MedGen C1969562, MONDO:0007974, OMIM 156200.

Submissions (2):

CeGaT Center for Human Genetics Tuebingen
Classification: Uncertain significance. Last evaluated: 2026-04-01. Review status: criteria provided, single submitter. Criteria: CeGaT Center For Human Genetics Tuebingen Variant Classification Criteria Version 2. Collection method: clinical testing. Allele origin: germline. Affected: yes. Observed: 1 variant allele.
Comment: MBD5: PM2, BP4

Labcorp Genetics (formerly Invitae), Labcorp
Classification: Uncertain significance for Intellectual developmental disorder, autosomal dominant 1. Last evaluated: 2025-11-09. Review status: criteria provided, single submitter. Criteria: Invitae Variant Classification Sherloc (09022015). Collection method: clinical testing. Allele origin: germline.
Comment: This sequence change replaces alanine, which is neutral and non-polar, with threonine, which is neutral and polar, at codon 481 of the MBD5 protein (p.Ala481Thr). This variant is not present in population databases (gnomAD no frequency). This variant has not been reported in the literature in individuals affected with MBD5-related conditions. Invitae Evidence Modeling of protein sequence and biophysical properties (such as structural, functional, and spatial information, amino acid conservation, physicochemical variation, residue mobility, and thermodynamic stability) indicates that this missense variant is not expected to disrupt MBD5 protein function with a negative predictive value of 80%. In summary, the available evidence is currently insufficient to determine the role of this variant in disease. Therefore, it has been classified as a Variant of Uncertain Significance.

NM_001378120.1(MBD5):c.1441G>A (p.Ala481Thr)

Gene: MBD5 (methyl-CpG binding domain protein 5; plus strand). Cytogenetic location: 2q23.1.
Variant type: single nucleotide variant.
Coding change: c.1441G>A on transcript NM_001378120.1 (MANE Select); coding-DNA position 1441, G replaced by A.
Protein change: p.Ala481Thr; replaces alanine 481 with threonine.
Molecular consequence: missense variant.
Genome position (GRCh38, 1-based): chr2:148,469,384, G>A. VCF-style: chr2-148469384-G-A. GRCh37 (hg19) VCF-style: chr2-149226953-G-A.
Other names: c.1441G>A, p.Ala481Thr (NM_001438854.1, NM_001438855.1, NM_001438856.1 and 7 more transcripts); short protein forms A481T.
Identifiers: ClinVar variation 4744917 (VCV004744917.3).
Genomic context (GRCh38, chr2:148,469,384, plus strand): 5'-CGCTCATCTTCCACATCATCAGATCATGGAAATTTCATGATGCCACCTGTAGGACCCCAG[G>A]CCACTTCTAGTGGTATTAAGGTTCCACCCAGGTCACCAAGGTCAACAATAGGGTCCCCAA-3'
Protein context (NP_001365049.1, residues 471-491): NFMMPPVGPQ[Ala481Thr]TSSGIKVPPR